The following is an entry in ClinVar:

ClinVar aggregate classification (germline): Conflicting classifications of pathogenicity. Review status: criteria provided, conflicting classifications (1 of 4 stars). 6 submissions from 6 submitters: Uncertain significance (1); Benign (1); Likely benign (4). Last evaluated 2026-05-06.

Conditions:
Inborn genetic diseases. Identifiers: MedGen C0950123, MeSH D030342.
Focal segmental glomerulosclerosis 5 (FSGS5). Identifiers: Orphanet 656, MedGen C2750475, MONDO:0013191, OMIM 613237.
INF2-related disorder. Also called: INF2-related condition.
Charcot-Marie-Tooth disease dominant intermediate E. Also called: CHARCOT-MARIE-TOOTH NEUROPATHY WITH FOCAL SEGMENTAL GLOMERULONEPHRITIS. Identifiers: Orphanet 93114, MedGen C4302667, MONDO:0013758, OMIM 614455.

Allele frequency attached by ClinVar (database versions not stated): ExAC 0.00005; TOPMed 0.00008; gnomAD 0.00009; gnomAD exomes 0.00009 and 0.00015; 1000 Genomes Project 30x 0.00016.

Submissions (6):

PreventionGenetics, part of Exact Sciences
Classification: Likely benign for INF2-related condition. Last evaluated: 2026-05-06. Review status: criteria provided, single submitter. Criteria: ACMG Guidelines, 2015. Collection method: clinical testing. Allele origin: germline.
Comment: This variant is classified as likely benign based on ACMG/AMP sequence variant interpretation guidelines (Richards et al. 2015 PMID: 25741868, with internal and published modifications).

Labcorp Genetics (formerly Invitae), Labcorp
Classification: Benign for Charcot-Marie-Tooth disease dominant intermediate E; Focal segmental glomerulosclerosis 5. Last evaluated: 2025-06-03. Review status: criteria provided, single submitter. Criteria: Invitae Variant Classification Sherloc (09022015). Collection method: clinical testing. Allele origin: germline.

Blueprint Genetics
Classification: Likely benign. Last evaluated: 2024-11-21. Review status: criteria provided, single submitter. Criteria: ACMG Guidelines, 2015. Collection method: clinical testing. Allele origin: germline.

Ambry Genetics
Classification: Likely benign for Inborn genetic diseases. Last evaluated: 2019-07-11. Review status: criteria provided, single submitter. Criteria: Ambry Variant Classification Scheme 2023. Collection method: clinical testing. Allele origin: germline.

GeneDx
Classification: Likely benign. Last evaluated: 2018-06-06. Review status: criteria provided, single submitter. Criteria: GeneDx Variant Classification (06012015). Collection method: clinical testing. Allele origin: germline. Affected: yes.
Comment: This variant is considered likely benign or benign based on one or more of the following criteria: it is a conservative change, it occurs at a poorly conserved position in the protein, it is predicted to be benign by multiple in silico algorithms, and/or has population frequency not consistent with disease.

Illumina Laboratory Services, Illumina
Classification: Uncertain significance for Focal segmental glomerulosclerosis 5. Last evaluated: 2018-01-13. Review status: criteria provided, single submitter. Criteria: ICSL Variant Classification Criteria 13 December 2019. Collection method: clinical testing. Allele origin: germline.

NM_022489.4(INF2):c.1197C>T (p.His399=)

Gene: INF2 (inverted formin 2; plus strand). Cytogenetic location: 14q32.33.
Variant type: single nucleotide variant.
Coding change: c.1197C>T on transcript NM_022489.4 (MANE Select); coding-DNA position 1197, C replaced by T.
Protein change: p.His399=; no amino-acid change (histidine 399 retained).
Molecular consequence: synonymous variant.
Genome position (GRCh38, 1-based): chr14:104,707,464, C>T. VCF-style: chr14-104707464-C-T. GRCh37 (hg19) VCF-style: chr14-105173801-C-T.
Other names: c.1197C>T, p.His399= (NM_001031714.4).
Identifiers: ClinVar variation 312686 (VCV000312686.18), dbSNP rs746493706, ClinGen allele CA7372526.